The following is an entry in ClinVar:

NM_000179.3(MSH6):c.659A>G (p.Glu220Gly)

Gene: MSH6 (mutS homolog 6; plus strand). Cytogenetic location: 2p16.3.
Variant type: single nucleotide variant.
Coding change: c.659A>G on transcript NM_000179.3 (MANE Select); coding-DNA position 659, A replaced by G.
Protein change: p.Glu220Gly; replaces glutamic acid 220 with glycine.
Molecular consequence: missense variant. On other transcripts: 5 prime UTR variant (2).
Genome position (GRCh38, 1-based): chr2:47,798,642, A>G. VCF-style: chr2-47798642-A-G. GRCh37 (hg19) VCF-style: chr2-48025781-A-G.
Other names: c.269A>G, p.Glu90Gly (NM_001281492.2); c.-248A>G (NM_001281493.2, NM_001281494.2); short protein forms E220G, E90G.
Identifiers: ClinVar variation 221144 (VCV000221144.20), dbSNP rs764478569, ClinGen allele CA073311.

ClinVar aggregate classification (germline): Conflicting classifications of pathogenicity. Review status: criteria provided, conflicting classifications (1 of 4 stars). 4 submissions from 4 submitters: Uncertain significance (2); Benign (1); Likely benign (1). Last evaluated 2025-12-19.

Conditions:
Hereditary nonpolyposis colorectal neoplasms. Identifiers: MedGen C0009405, MeSH D003123.
Hereditary cancer-predisposing syndrome. Also called: Hereditary neoplastic syndrome; Tumor predisposition; Hereditary Cancer Syndrome; Neoplastic Syndromes, Hereditary. Identifiers: Orphanet 140162, MedGen C0027672, MeSH D009386, MONDO:0015356.
Lynch syndrome. Identifiers: Orphanet 144, MedGen C4552100, MONDO:0005835. Disease mechanism: loss of function.

Allele frequency attached by ClinVar (database versions not stated): TOPMed below 0.00001; gnomAD 0.00001; gnomAD exomes 0.00001; ExAC 0.00002.
gnomAD v4.1: 9 of 1,612,438 alleles (0.00056%); highest among the groups gnomAD compares: South Asian, 0.0088%; no homozygotes.

Submissions (4):

Labcorp Genetics (formerly Invitae), Labcorp
Classification: Benign for Hereditary nonpolyposis colorectal neoplasms. Last evaluated: 2025-12-19. Review status: criteria provided, single submitter. Criteria: Invitae Variant Classification Sherloc (09022015). Collection method: clinical testing. Allele origin: germline.

Ambry Genetics
Classification: Uncertain significance for Hereditary cancer-predisposing syndrome. Last evaluated: 2025-05-16. Review status: criteria provided, single submitter. Criteria: Ambry Variant Classification Scheme 2023. Collection method: clinical testing. Allele origin: germline.
Comment: The p.E220G variant (also known as c.659A>G), located in coding exon 4 of the MSH6 gene, results from an A to G substitution at nucleotide position 659. The glutamic acid at codon 220 is replaced by glycine, an amino acid with similar properties. This amino acid position is well conserved in available vertebrate species. In addition, this alteration is predicted to be tolerated by in silico analysis. Since supporting evidence is limited at this time, the clinical significance of this alteration remains unclear.

Color Diagnostics, LLC DBA Color Health
Classification: Likely benign for Hereditary cancer-predisposing syndrome. Last evaluated: 2025-01-22. Review status: criteria provided, single submitter. Criteria: ACMG Guidelines, 2015. Collection method: clinical testing. Allele origin: germline.

All of Us Research Program, National Institutes of Health
Classification: Uncertain significance for Lynch syndrome. Last evaluated: 2024-02-05. Review status: criteria provided, single submitter. Criteria: ACMG Guidelines, 2015. Collection method: clinical testing. Allele origin: germline. Inheritance: Autosomal dominant inheritance. Observed: 3 variant alleles, 3 heterozygotes.
Comment: This missense variant replaces glutamic acid with glycine at codon 220 of the MSH6 protein. Computational prediction suggests that this variant may not impact protein structure and function (internally defined REVEL score threshold <= 0.5, PMID: 27666373). To our knowledge, functional studies have not been reported for this variant. This variant has not been reported in individuals affected with MSH6-related disorders in the literature. This variant has been identified in 3/248928 chromosomes in the general population by the Genome Aggregation Database (gnomAD). The available evidence is insufficient to determine the role of this variant in disease conclusively. Therefore, this variant is classified as a Variant of Uncertain Significance.

This study involves interpretation of variants in research participants for the purpose of population health screening. Participant phenotype was not available at the time of variant classification. Additional details can be found in publication PMID: 35346344, PMCID: PMC8962531